The following is an entry in ClinVar:

NM_022455.5(NSD1):c.1898G>A (p.Ser633Asn)

Gene: NSD1 (nuclear receptor binding SET domain protein 1; plus strand). Cytogenetic location: 5q35.3.
Variant type: single nucleotide variant.
Coding change: c.1898G>A on transcript NM_022455.5 (MANE Select); coding-DNA position 1898, G replaced by A.
Protein change: p.Ser633Asn; replaces serine 633 with asparagine.
Molecular consequence: missense variant.
Genome position (GRCh38, 1-based): chr5:177,210,297, G>A. VCF-style: chr5-177210297-G-A. GRCh37 (hg19) VCF-style: chr5-176637298-G-A.
Other names: c.1025G>A, p.Ser342Asn (NM_001365684.2, NM_001409306.1, NM_001409307.1 and 3 more transcripts); c.1898G>A, p.Ser633Asn (NM_001409301.1, NM_001409302.1, NM_001409303.1); c.1478G>A, p.Ser493Asn (NM_001409304.1); c.1145G>A, p.Ser382Asn (NM_001409305.1); short protein forms S342N, S382N, S493N, S633N.
Identifiers: ClinVar variation 5019834 (VCV005019834.2).

ClinVar aggregate classification (germline): Uncertain significance (1 of 4 stars; one submission).

Conditions:
Sotos syndrome (SOTOS). Also called: Distinctive facial appearance, overgrowth in childhood, and learning disabilities or delayed development; CHROMOSOME 5q35 DELETION SYNDROME; Sotos' syndrome; CEREBRAL GIGANTISM; SOTOS SYNDROME 1. Identifiers: Orphanet 821, MedGen C0175695, MONDO:0019349, OMIM 117550.

gnomAD v4.1: 7 of 1,610,950 alleles (0.00043%); highest among the groups gnomAD compares: Non-Finnish European, 0.00059%; no homozygotes.

Submission:

Juno Genomics, Hangzhou Juno Genomics, Inc
Classification: Uncertain significance for Sotos syndrome. Review status: criteria provided, single submitter. Criteria: ACMG Guidelines, 2015. Collection method: clinical testing. Allele origin: germline.
Comment: Absent from controls (or at extremely low frequency if recessive) in Genome Aggregation Database.;Missense variant in a gene that has a low rate of benign missense variation.